The following is an entry in ClinVar:

ClinVar aggregate classification (germline): Uncertain significance (1 of 4 stars; one submission).

Conditions:
Ataxia-telangiectasia syndrome (AT). Also called: LOUIS-BAR SYNDROME; Cerebello-oculocutaneous telangiectasia; Immunodeficiency with ataxia telangiectasia; Ataxia telangiectasia (A-T); Ataxia-telangiectasia, complementation group D; AT, COMPLEMENTATION GROUP C. Identifiers: Orphanet 100, MedGen C0004135, MONDO:0008840, OMIM 208900.

Submission:

Labcorp Genetics (formerly Invitae), Labcorp
Classification: Uncertain significance for Ataxia-telangiectasia syndrome. Last evaluated: 2023-02-21. Review status: criteria provided, single submitter. Criteria: Invitae Variant Classification Sherloc (09022015). Collection method: clinical testing. Allele origin: germline.
Comment: This sequence change replaces glutamine, which is neutral and polar, with arginine, which is basic and polar, at codon 2314 of the ATM protein (p.Gln2314Arg). In summary, the available evidence is currently insufficient to determine the role of this variant in disease. Therefore, it has been classified as a Variant of Uncertain Significance. An algorithm developed to predict the effect of missense changes on protein structure and function (PolyPhen-2) suggests that this variant is likely to be tolerated. This variant has not been reported in the literature in individuals affected with ATM-related conditions. This variant is not present in population databases (gnomAD no frequency).

NM_000051.4(ATM):c.6941A>G (p.Gln2314Arg)

Genes: ATM (ATM serine/threonine kinase; plus strand), C11orf65 (chromosome 11 open reading frame 65; minus strand). Cytogenetic location: 11q22.3.
Variant type: single nucleotide variant.
Coding change: c.6941A>G on transcript NM_000051.4 (MANE Select); coding-DNA position 6941, A replaced by G.
Protein change: p.Gln2314Arg; replaces glutamine 2314 with arginine.
Molecular consequence: missense variant. On other transcripts: intron variant (2).
Genome position (GRCh38, 1-based): chr11:108,326,191, A>G. VCF-style: chr11-108326191-A-G. GRCh37 (hg19) VCF-style: chr11-108196918-A-G.
Other names: c.6941A>G, p.Gln2314Arg (NM_001351834.2); c.641-17120T>C (NM_001330368.2); c.*38+9029T>C (NM_001351110.2); short protein forms Q2314R.
Identifiers: ClinVar variation 2839642 (VCV002839642.3), dbSNP rs2136338491, ClinGen allele CA382557243.
Genomic context (GRCh38, chr11:108,326,191, plus strand): 5'-AAGAAGCACAAGTATTCTGGGCAAAAAAGGAGCAGAGTCTTGCCCTGAGTATTCTCAAGC[A>G]AATGATCAAGAAGTTGGATGCCAGCTGTGCAGCGGTTTGTTTTTTTTATTGGCTGGATTA-3'
Protein context (NP_000042.3, residues 2304-2324): EQSLALSILK[Gln2314Arg]MIKKLDASCA